The following is an entry in ClinVar:

ClinVar aggregate classification (germline): Uncertain significance (1 of 4 stars; one submission).

Conditions:
CACNA1I-related disorder. Also called: CACNA1I-related condition.

Allele frequency attached by ClinVar (database versions not stated): gnomAD exomes 0.00001.
gnomAD v4.1: 5 of 1,613,368 alleles (0.00031%); highest among the groups gnomAD compares: Non-Finnish European, 0.00042%; no homozygotes.

Submission:

PreventionGenetics, part of Exact Sciences
Classification: Uncertain significance for CACNA1I-related condition. Last evaluated: 2023-05-25. Review status: criteria provided, single submitter. Criteria: ACMG Guidelines, 2015. Collection method: clinical testing. Allele origin: germline.
Comment: The CACNA1I c.4659G>C variant is predicted to result in the amino acid substitution p.Gln1553His. To our knowledge, this variant has not been reported in the literature or in a large population database, indicating this variant is rare. At this time, the clinical significance of this variant is uncertain due to the absence of conclusive functional and genetic evidence.

NM_021096.4(CACNA1I):c.4659G>C (p.Gln1553His)

Gene: CACNA1I (calcium voltage-gated channel subunit alpha1 I; plus strand). Cytogenetic location: 22q13.1.
Variant type: single nucleotide variant.
Coding change: c.4659G>C on transcript NM_021096.4 (MANE Select); coding-DNA position 4659, G replaced by C.
Protein change: p.Gln1553His; replaces glutamine 1553 with histidine.
Molecular consequence: missense variant.
Genome position (GRCh38, 1-based): chr22:39,672,958, G>C. VCF-style: chr22-39672958-G-C. GRCh37 (hg19) VCF-style: chr22-40068963-G-C.
Other names: c.4554G>C, p.Gln1518His (NM_001003406.2); short protein forms Q1518H, Q1553H.
Identifiers: ClinVar variation 2630048 (VCV002630048.1), dbSNP rs2518187472, ClinGen allele CA411629363.